The following is an entry in ClinVar:

NM_000501.4(ELN):c.1747+1G>A

Genes: ELN (elastin; plus strand), ELN-AS1 (ELN antisense RNA 1; minus strand). Cytogenetic location: 7q11.23.
Variant type: single nucleotide variant.
Coding change: c.1747+1G>A on transcript NM_000501.4 (MANE Select); the canonical splice donor site of the intron after coding-DNA position 1747, G replaced by A.
Molecular consequence: splice donor variant. On other transcripts: missense variant (1).
Genome position (GRCh38, 1-based): chr7:74,060,502, G>A. VCF-style: chr7-74060502-G-A. GRCh37 (hg19) VCF-style: chr7-73474832-G-A.
Other names: c.1835G>A, p.Gly612Asp (NM_001278939.2); c.1762+1G>A (NM_001081754.3); c.1705+1G>A (NM_001081753.3); c.1765+1G>A (NM_001278915.2); c.1747+1G>A (NM_001278912.2); c.1690+1G>A (NM_001081755.3); c.1603+1G>A (NM_001278916.2); c.1504+1G>A (NM_001278913.2); and 4 more; short protein forms G612D.
Identifiers: ClinVar variation 5016749 (VCV005016749.1).

ClinVar aggregate classification (germline): Uncertain significance (1 of 4 stars; one submission).

Submission:

GeneDx
Classification: Uncertain significance. Last evaluated: 2026-04-02. Review status: criteria provided, single submitter. Criteria: GeneDx Variant Classification Process June 2021. Collection method: clinical testing. Allele origin: germline.
Comment: Canonical splice site variant with an unclear effect on protein function; Reported in an individual with SVAS; additional genetic variants were also noted (PMID: 28991257, 33084842); Not observed at significant frequency in large population cohorts (gnomAD); This variant is associated with the following publications: (PMID: 28991257, 33084842)